The following is an entry in ClinVar:

NM_001458.5(FLNC):c.7310G>A (p.Arg2437Gln)

Genes: FLNC (filamin C; plus strand), FLNC-AS1 (FLNC antisense RNA 1; minus strand). Cytogenetic location: 7q32.1.
Variant type: single nucleotide variant.
Coding change: c.7310G>A on transcript NM_001458.5 (MANE Select); coding-DNA position 7310, G replaced by A.
Protein change: p.Arg2437Gln; replaces arginine 2437 with glutamine.
Molecular consequence: missense variant.
Genome position (GRCh38, 1-based): chr7:128,856,576, G>A. VCF-style: chr7-128856576-G-A. GRCh37 (hg19) VCF-style: chr7-128496630-G-A.
Other names: p.Arg2437Gln; c.7211G>A, p.Arg2404Gln (NM_001127487.2); short protein forms R2437Q, R2404Q.
Identifiers: ClinVar variation 539381 (VCV000539381.19), dbSNP rs201762568, ClinGen allele CA4476230.
Genomic context (GRCh38, chr7:128,856,576, plus strand): 5'-AGGAGACGGGGCTCAAGGTGAACCAGCCAGCGTCCTTTGCCGTGCAGCTGAACGGTGCCC[G>A]GGGCGTGATTGATGCCCGGGTGCACACACCCTCGGGGGCTGTGGAGGAGTGCTACGTCTC-3'
Protein context (NP_001449.3, residues 2427-2447): ASFAVQLNGA[Arg2437Gln]GVIDARVHTP

ClinVar aggregate classification (germline): Conflicting classifications of pathogenicity. Review status: criteria provided, conflicting classifications (1 of 4 stars). 6 submissions from 6 submitters: Uncertain significance (5); Likely benign (1). Last evaluated 2026-01-28.

Conditions:
FLNC-related disorder. Also called: FLNC-related disorders; FLNC-related condition.
Cardiovascular phenotype. Identifiers: MedGen CN230736.
Hypertrophic cardiomyopathy 26. Also called: Cardiomyopathy, familial hypertrophic, 26. Identifiers: Orphanet 75249, MedGen C4310749, MONDO:0014883, OMIM 617047.
Distal myopathy with posterior leg and anterior hand involvement. Also called: WILLIAMS DISTAL MYOPATHY. Identifiers: Orphanet 63273, MedGen C3279722, MONDO:0013550, OMIM 614065.
Myofibrillar myopathy 5. Also called: Filaminopathy (type); FILAMINOPATHY, AUTOSOMAL DOMINANT. Identifiers: Orphanet 171445, MedGen C1836050, MONDO:0012289, OMIM 609524.

Allele frequency attached by ClinVar (database versions not stated): gnomAD 0.00002 and 0.00003; gnomAD exomes 0.00002; ExAC 0.00003; TOPMed 0.00003.
gnomAD v4.1: 29 of 1,612,828 alleles (0.0018%); highest among the groups gnomAD compares: Middle Eastern, 0.016%; no homozygotes.

Submissions (6):

Labcorp Genetics (formerly Invitae), Labcorp
Classification: Likely benign for Distal myopathy with posterior leg and anterior hand involvement; Myofibrillar myopathy 5; Hypertrophic cardiomyopathy 26. Last evaluated: 2026-01-28. Review status: criteria provided, single submitter. Criteria: Invitae Variant Classification Sherloc (09022015). Collection method: clinical testing. Allele origin: germline.

Mayo Clinic Laboratories, Mayo Clinic
Classification: Uncertain significance. Last evaluated: 2025-05-19. Review status: criteria provided, single submitter. Criteria: ACMG Guidelines, 2015. Collection method: clinical testing. Allele origin: germline. Observed: 1 variant allele.
Comment: BS2

PreventionGenetics, part of Exact Sciences
Classification: Uncertain significance for FLNC-related condition. Last evaluated: 2025-04-28. Review status: criteria provided, single submitter. Criteria: ACMG Guidelines, 2015. Collection method: clinical testing. Allele origin: germline.
Comment: The FLNC c.7310G>A variant is predicted to result in the amino acid substitution p.Arg2437Gln. To our knowledge, this variant has not been reported in the literature. This variant is reported in 0.0058% of alleles in individuals of Latino descent in gnomAD. At this time, the clinical significance of this variant is uncertain due to the absence of conclusive functional and genetic evidence.

Ambry Genetics
Classification: Uncertain significance for Cardiovascular phenotype. Last evaluated: 2023-05-12. Review status: criteria provided, single submitter. Criteria: Ambry Variant Classification Scheme 2023. Collection method: clinical testing. Allele origin: germline.
Comment: The p.R2437Q variant (also known as c.7310G>A), located in coding exon 44 of the FLNC gene, results from a G to A substitution at nucleotide position 7310. The arginine at codon 2437 is replaced by glutamine, an amino acid with highly similar properties. This amino acid position is well conserved in available vertebrate species. In addition, this alteration is predicted to be tolerated by in silico analysis. Since supporting evidence is limited at this time, the clinical significance of this alteration remains unclear.

Fulgent Genetics
Classification: Uncertain significance for Myofibrillar myopathy 5; Distal myopathy with posterior leg and anterior hand involvement; Hypertrophic cardiomyopathy 26. Last evaluated: 2021-07-23. Review status: criteria provided, single submitter. Criteria: ACMG Guidelines, 2015. Collection method: clinical testing. Allele origin: unknown.

Revvity Omics, Revvity
Classification: Uncertain significance. Last evaluated: 2020-07-08. Review status: criteria provided, single submitter. Criteria: ACMG Guidelines, 2015. Collection method: clinical testing. Allele origin: germline.